The following is an entry in ClinVar:

ClinVar aggregate classification (germline): Uncertain significance (1 of 4 stars; one submission).

Conditions:
RYR1-related disorder. Also called: RYR1-related condition; RYR1-related disorders. Identifiers: MedGen CN239331.

Allele frequency attached by ClinVar (database versions not stated): gnomAD exomes below 0.00001.
gnomAD v4.1: 1 of 1,614,074 alleles (0.000062%); highest among the groups gnomAD compares: Non-Finnish European, 0.000085%; no homozygotes.

Submission:

Labcorp Genetics (formerly Invitae), Labcorp
Classification: Uncertain significance for RYR1-related disorder. Last evaluated: 2023-05-21. Review status: criteria provided, single submitter. Criteria: Invitae Variant Classification Sherloc (09022015). Collection method: clinical testing. Allele origin: germline.
Comment: In summary, the available evidence is currently insufficient to determine the role of this variant in disease. Therefore, it has been classified as a Variant of Uncertain Significance. Advanced modeling of protein sequence and biophysical properties (such as structural, functional, and spatial information, amino acid conservation, physicochemical variation, residue mobility, and thermodynamic stability) performed at Invitae indicates that this missense variant is not expected to disrupt RYR1 protein function. This variant has not been reported in the literature in individuals affected with RYR1-related conditions. This variant is not present in population databases (gnomAD no frequency). This sequence change replaces alanine, which is neutral and non-polar, with threonine, which is neutral and polar, at codon 2687 of the RYR1 protein (p.Ala2687Thr).

NM_000540.3(RYR1):c.8059G>A (p.Ala2687Thr)

Gene: RYR1 (ryanodine receptor 1; plus strand). Cytogenetic location: 19q13.2.
Variant type: single nucleotide variant.
Coding change: c.8059G>A on transcript NM_000540.3 (MANE Select); coding-DNA position 8059, G replaced by A.
Protein change: p.Ala2687Thr; replaces alanine 2687 with threonine.
Molecular consequence: missense variant.
Genome position (GRCh38, 1-based): chr19:38,504,352, G>A. VCF-style: chr19-38504352-G-A. GRCh37 (hg19) VCF-style: chr19-38994992-G-A.
Other names: c.8059G>A, p.Ala2687Thr (NM_001042723.2); short protein forms A2687T.
Identifiers: ClinVar variation 2741237 (VCV002741237.3), dbSNP rs2514351736, ClinGen allele CA405676174.